The following is an entry in ClinVar:

NM_015135.3(NUP205):c.1811C>T (p.Thr604Met)

Gene: NUP205 (nucleoporin 205; plus strand). Cytogenetic location: 7q33.
Variant type: single nucleotide variant.
Coding change: c.1811C>T on transcript NM_015135.3 (MANE Select); coding-DNA position 1811, C replaced by T.
Protein change: p.Thr604Met; replaces threonine 604 with methionine.
Molecular consequence: missense variant.
Genome position (GRCh38, 1-based): chr7:135,593,173, C>T. VCF-style: chr7-135593173-C-T. GRCh37 (hg19) VCF-style: chr7-135277921-C-T.
Other names: c.737C>T, p.Thr246Met (NM_001329434.2); c.1811C>T (NM_015135.2); short protein forms T604M, T246M.
Identifiers: ClinVar variation 2711565 (VCV002711565.2), dbSNP rs370559672, ClinGen allele CA4498178.

ClinVar aggregate classification (germline): Uncertain significance. Review status: criteria provided, multiple submitters, no conflicts (2 of 4 stars). 2 submissions from 2 submitters: Uncertain significance (2). Last evaluated 2024-12-09.

Allele frequency attached by ClinVar (database versions not stated): ExAC 0.00005; TOPMed 0.00009; gnomAD 0.00011; ESP Exome Variant Server 0.00015; 1000 Genomes Project 30x 0.00016; 1000 Genomes Project 0.00020.
gnomAD v4.1: 28 of 1,614,006 alleles (0.0017%); highest among the groups gnomAD compares: African/African-American, 0.025%; no homozygotes.

Submissions (2):

Ambry Genetics
Classification: Uncertain significance. Last evaluated: 2024-12-09. Review status: criteria provided, single submitter. Criteria: Ambry Variant Classification Scheme 2023. Collection method: clinical testing. Allele origin: germline.

Labcorp Genetics (formerly Invitae), Labcorp
Classification: Uncertain significance. Last evaluated: 2023-01-11. Review status: criteria provided, single submitter. Criteria: Invitae Variant Classification Sherloc (09022015). Collection method: clinical testing. Allele origin: germline.
Comment: In summary, the available evidence is currently insufficient to determine the role of this variant in disease. Therefore, it has been classified as a Variant of Uncertain Significance. Advanced modeling of protein sequence and biophysical properties (such as structural, functional, and spatial information, amino acid conservation, physicochemical variation, residue mobility, and thermodynamic stability) performed at Invitae indicates that this missense variant is not expected to disrupt NUP205 protein function. This variant has not been reported in the literature in individuals affected with NUP205-related conditions. This variant is present in population databases (rs370559672, gnomAD 0.03%). This sequence change replaces threonine, which is neutral and polar, with methionine, which is neutral and non-polar, at codon 604 of the NUP205 protein (p.Thr604Met).